The following is an entry in ClinVar:

ClinVar aggregate classification (germline): Uncertain significance. Review status: criteria provided, multiple submitters, no conflicts (2 of 4 stars). 2 submissions from 2 submitters: Uncertain significance (2). Last evaluated 2025-08-04.

Allele frequency attached by ClinVar (database versions not stated): gnomAD 0.00001; TOPMed 0.00002; ExAC 0.00003.

Submissions (2):

Ambry Genetics
Classification: Uncertain significance. Last evaluated: 2025-08-04. Review status: criteria provided, single submitter. Criteria: Ambry Variant Classification Scheme 2023. Collection method: clinical testing. Allele origin: germline.

Labcorp Genetics (formerly Invitae), Labcorp
Classification: Uncertain significance. Last evaluated: 2022-11-03. Review status: criteria provided, single submitter. Criteria: Invitae Variant Classification Sherloc (09022015). Collection method: clinical testing. Allele origin: germline.
Comment: This variant is present in population databases (rs752890995, gnomAD 0.007%). In summary, the available evidence is currently insufficient to determine the role of this variant in disease. Therefore, it has been classified as a Variant of Uncertain Significance. Algorithms developed to predict the effect of missense changes on protein structure and function (SIFT, PolyPhen-2, Align-GVGD) all suggest that this variant is likely to be tolerated. This variant has not been reported in the literature in individuals affected with DNAJC17-related conditions. This sequence change replaces glutamic acid, which is acidic and polar, with lysine, which is basic and polar, at codon 129 of the DNAJC17 protein (p.Glu129Lys).

NM_018163.3(DNAJC17):c.385G>A (p.Glu129Lys)

Gene: DNAJC17 (DnaJ heat shock protein family (Hsp40) member C17; minus strand). Cytogenetic location: 15q15.1.
Variant type: single nucleotide variant.
Coding change: c.385G>A on transcript NM_018163.3 (MANE Select); coding-DNA position 385, G replaced by A.
Protein change: p.Glu129Lys; replaces glutamic acid 129 with lysine.
Molecular consequence: missense variant.
Genome position (GRCh38, 1-based): chr15:40,776,289, C>T on the plus strand (G>A on the coding strand, the complement: DNAJC17 is on the minus strand). VCF-style: chr15-40776289-C-T. GRCh37 (hg19) VCF-style: chr15-41068487-C-T.
Other names: c.385G>A (NM_018163.2); short protein forms E129K.
Identifiers: ClinVar variation 3003751 (VCV003003751.4), dbSNP rs752890995, ClinGen allele CA7485162.